The following is an entry in ClinVar:

ClinVar aggregate classification (germline): Uncertain significance (1 of 4 stars; one submission).

Submission:

Labcorp Genetics (formerly Invitae), Labcorp
Classification: Uncertain significance. Last evaluated: 2024-04-25. Review status: criteria provided, single submitter. Criteria: Invitae Variant Classification Sherloc (09022015). Collection method: clinical testing. Allele origin: germline.
Comment: This sequence change replaces alanine, which is neutral and non-polar, with threonine, which is neutral and polar, at codon 375 of the GUF1 protein (p.Ala375Thr). This variant is not present in population databases (gnomAD no frequency). This variant has not been reported in the literature in individuals affected with GUF1-related conditions. Advanced modeling of protein sequence and biophysical properties (such as structural, functional, and spatial information, amino acid conservation, physicochemical variation, residue mobility, and thermodynamic stability) has been performed at Invitae for this missense variant, however the output from this modeling did not meet the statistical confidence thresholds required to predict the impact of this variant on GUF1 protein function. In summary, the available evidence is currently insufficient to determine the role of this variant in disease. Therefore, it has been classified as a Variant of Uncertain Significance.

NM_021927.3(GUF1):c.1123G>A (p.Ala375Thr)

Gene: GUF1 (GTP binding elongation factor GUF1; plus strand). Cytogenetic location: 4p12.
Variant type: single nucleotide variant.
Coding change: c.1123G>A on transcript NM_021927.3 (MANE Select); coding-DNA position 1123, G replaced by A.
Protein change: p.Ala375Thr; replaces alanine 375 with threonine.
Molecular consequence: missense variant.
Genome position (GRCh38, 1-based): chr4:44,689,330, G>A. VCF-style: chr4-44689330-G-A. GRCh37 (hg19) VCF-style: chr4-44691347-G-A.
Other names: c.151G>A, p.Ala51Thr (NM_001345867.2, NM_001345869.2); c.1123G>A, p.Ala375Thr (NM_001345868.2); short protein forms A375T, A51T.
Identifiers: ClinVar variation 3651233 (VCV003651233.2).